The following is an entry in ClinVar:

ClinVar aggregate classification (germline): Conflicting classifications of pathogenicity. Review status: criteria provided, conflicting classifications (1 of 4 stars). 3 submissions from 3 submitters: Uncertain significance (1); Likely benign (1). 1 of the submissions does not count toward it. Last evaluated 2025-02-26.

Conditions:
Early-infantile DEE. Also called: Early infantile epileptic encephalopathy with suppression bursts; Early infantile epileptic encephalopathy; Ohtahara syndrome. Identifiers: Orphanet 1934, MedGen C0393706, MONDO:0800491.
SCN1A-related disorder. Also called: SCN1A-related disorders; SCN1A-related conditions; SCN1A-related condition.

Allele frequency attached by ClinVar (database versions not stated): TOPMed 0.00001; gnomAD 0.00002; ExAC 0.00003.
gnomAD v4.1: 11 of 1,608,838 alleles (0.00068%); highest among the groups gnomAD compares: East Asian, 0.0089%; no homozygotes.

Submissions (3):

Labcorp Genetics (formerly Invitae), Labcorp
Classification: Likely benign for Early-infantile DEE. Last evaluated: 2025-02-26. Review status: criteria provided, single submitter. Criteria: Invitae Variant Classification Sherloc (09022015). Collection method: clinical testing. Allele origin: germline.

Eurofins Ntd Llc (ga)
Classification: Uncertain significance. Last evaluated: 2017-11-28. Review status: criteria provided, single submitter. Criteria: EGL Classification Definitions 2015. Collection method: clinical testing. Allele origin: germline. Observed: 2 variant alleles, 2 heterozygotes.

PreventionGenetics, part of Exact Sciences
Classification: Likely benign for SCN1A-related condition. Last evaluated: 2019-08-27. Review status: no assertion criteria provided. Collection method: clinical testing. Allele origin: germline. Not counted in ClinVar's aggregate classification.
Comment: This variant is classified as likely benign based on ACMG/AMP sequence variant interpretation guidelines (Richards et al. 2015 PMID: 25741868, with internal and published modifications).

NM_001165963.4(SCN1A):c.4284+7G>A

Genes: SCN1A (sodium voltage-gated channel alpha subunit 1; minus strand), LOC102724058 (uncharacterized LOC102724058; plus strand). Cytogenetic location: 2q24.3.
Variant type: single nucleotide variant.
Coding change: c.4284+7G>A on transcript NM_001165963.4 (MANE Select); 7 bases into the intron after coding-DNA position 4284, G replaced by A.
Molecular consequence: intron variant.
Genome position (GRCh38, 1-based): chr2:166,002,465, C>T on the plus strand (G>A on the coding strand, the complement: SCN1A is on the minus strand). VCF-style: chr2-166002465-C-T. GRCh37 (hg19) VCF-style: chr2-166858975-C-T.
Other names: c.4284+7G>A (NM_001202435.1, NM_001202435.3, NM_001353948.2); c.4251+7G>A (NM_001353949.2, NM_001353950.2, NM_001353951.2 and 2 more transcripts); c.4200+7G>A (NM_001353958.2, NM_001353957.2, NM_001165964.3); c.4248+7G>A (NM_001353955.2, NM_001353954.2); c.4197+7G>A (NM_001353960.2); c.1842+7G>A (NM_001353961.2).
Identifiers: ClinVar variation 195577 (VCV000195577.15), dbSNP rs745918943, ClinGen allele CA242054.
Genomic context (GRCh38, chr2:166,002,465, plus strand): 5'-ATGTATGTCATTATTTTGTTATTATTCCAAACAATAAAAATATTCAGAGAAAATAGTGTT[C>T]ACTTACAACTTGAAGCAAAGAGAGATACCCAAATCCTACATTATCAAAGTTTACTTTCAC-3'